The following is an entry in ClinVar:

ClinVar aggregate classification (germline): Pathogenic (1 of 4 stars; one submission).

Submission:

Labcorp Genetics (formerly Invitae), Labcorp
Classification: Pathogenic. Last evaluated: 2022-12-08. Review status: criteria provided, single submitter. Criteria: Invitae Variant Classification Sherloc (09022015). Collection method: clinical testing. Allele origin: unknown.
Comment: For these reasons, this variant has been classified as Pathogenic. This variant has not been reported in the literature in individuals affected with FOXP1-related conditions. This variant is a gross deletion of the genomic region encompassing exon(s) 6 of the FOXP1 gene, which includes the initiator codon. This deletion extends beyond the assayed region for this gene and therefore may encompass additional genes. It is expected to result in an absent or disrupted protein product. Loss-of-function variants in FOXP1 are known to be pathogenic (PMID: 28735298).

Literature cited by the submitters: PubMed 28735298.

NC_000003.11:g.(?_71190318)_(71288982_?)del

Gene: FOXP1 (forkhead box P1; minus strand). Cytogenetic location: 3p13.
Variant type: Deletion.
Identifiers: ClinVar variation 3247052 (VCV003247052.1).